The following is an entry in ClinVar:

ClinVar aggregate classification (germline): Uncertain significance (1 of 4 stars; one submission).

Submission:

Ambry Genetics
Classification: Uncertain significance. Last evaluated: 2026-04-23. Review status: criteria provided, single submitter. Criteria: Ambry Variant Classification Scheme 2023. Collection method: clinical testing. Allele origin: germline.
Comment: The p.E628G variant (also known as c.1883A>G), located in coding exon 1 of the TET2 gene, results from an A to G substitution at nucleotide position 1883. The glutamic acid at codon 628 is replaced by glycine, an amino acid with similar properties. This amino acid position is conserved. In addition, this alteration is predicted to be tolerated by in silico analysis. Based on the available evidence, the clinical significance of this variant remains unclear.

NM_001127208.3(TET2):c.1883A>G (p.Glu628Gly)

Genes: TET2 (tet methylcytosine dioxygenase 2; plus strand), TET2-AS1 (TET2 antisense RNA 1; minus strand). Cytogenetic location: 4q24.
Variant type: single nucleotide variant.
Coding change: c.1883A>G on transcript NM_001127208.3 (MANE Select); coding-DNA position 1883, A replaced by G.
Protein change: p.Glu628Gly; replaces glutamic acid 628 with glycine.
Molecular consequence: missense variant.
Genome position (GRCh38, 1-based): chr4:105,235,825, A>G. VCF-style: chr4-105235825-A-G. GRCh37 (hg19) VCF-style: chr4-106156982-A-G.
Other names: c.1883A>G, p.Glu628Gly (NM_017628.4); short protein forms E628G.
Identifiers: ClinVar variation 4865553 (VCV004865553.1).